The following is an entry in ClinVar:

ClinVar aggregate classification (germline): Likely pathogenic (1 of 4 stars; one submission).

Conditions:
Cardiovascular phenotype. Identifiers: MedGen CN230736.

Submission:

Ambry Genetics
Classification: Likely pathogenic for Cardiovascular phenotype. Last evaluated: 2025-08-04. Review status: criteria provided, single submitter. Criteria: Ambry Variant Classification Scheme 2023. Collection method: clinical testing. Allele origin: germline.
Comment: The c.26773delG variant, located in coding exon 107 of the TTN gene, results from a deletion of one nucleotide at nucleotide position 26773, causing a translational frameshift with a predicted alternate stop codon (p.V8925*). This exon is located in the A-band region of the N2-B isoform of the titin protein and is constitutively expressed in TTN transcripts (percent spliced in or PSI 100%). This variant was reported in individual(s) with features consistent with dilated cardiomyopathy (Ambry internal data). This variant is considered to be rare based on population cohorts in the Genome Aggregation Database (gnomAD). This variant is expected to result in loss of function by premature protein truncation or nonsense-mediated mRNA decay. While truncating variants in TTN are present in 1-3% of the general population, truncating variants in the A-band are the most common cause of dilated cardiomyopathy (Herman DS et al. N. Engl. J. Med., 2012 Feb;366:619-28; Roberts AM et al. Sci Transl Med, 2015 Jan;7:270ra6). TTN truncating variants encoded in constitutive exons (PSI >90%) have been found to be significantly associated with DCM regardless of their position in titin (Schafer S et al. Nat. Genet., 2017 01;49:46-53; Akhtar MM et al. Circ Heart Fail, 2020 Oct;13:e006832; Massier M et al. Clin Genet, 2025 Jan). Based on the majority of available evidence to date, this variant is likely to be pathogenic.

NM_001267550.2(TTN):c.53968del (p.Asp17989_Val17990insTer)

Genes: TTN (titin; minus strand), TTN-AS1 (TTN antisense RNA 1; plus strand). Cytogenetic location: 2q31.2.
Variant type: Deletion.
Coding change: c.53968del on transcript NM_001267550.2 (MANE Select); coding-DNA position 53968, one base deleted (G; older notation c.53968delG).
Protein change: p.Asp17989_Val17990insTer.
Molecular consequence: nonsense. On other transcripts: non-coding transcript variant (1).
Genome position (GRCh38, 1-based): chr2:178,605,209, C deleted on the plus strand (G on the coding strand, the reverse complement: TTN is on the minus strand). VCF-style (leftmost placement, unchanged base first): chr2-178605208-AC-A. GRCh37 (hg19) VCF-style: chr2-179469935-AC-A.
Other names: c.49045del, p.Asp16348_Val16349insTer (NM_001256850.1); c.26773del, p.Asp8924_Val8925insTer (NM_003319.4); c.46264del, p.Asp15421_Val15422insTer (NM_133378.4); c.27148del, p.Asp9049_Val9050insTer (NM_133432.3); c.27349del, p.Asp9116_Val9117insTer (NM_133437.4); c.26773delG (NM_003319.4).
Identifiers: ClinVar variation 4193761 (VCV004193761.1).
Genomic context (GRCh38, chr2:178,605,208, plus strand): 5'-GGTTTTTCAATTACAGTTTCATTTTTGGACCATTCAATCTTAGGCATTGGAAGGCCTGTC[AC>A]ATCTGCAGGGATGTGGACAGGCTCTCCTGCCTTAACTTTGATAGTGTCTCCTCGAACACT-3'